The following is an entry in ClinVar:

ClinVar aggregate classification (germline): Uncertain significance (1 of 4 stars; one submission).

Submission:

Labcorp Genetics (formerly Invitae), Labcorp
Classification: Uncertain significance. Last evaluated: 2021-06-06. Review status: criteria provided, single submitter. Criteria: Invitae Variant Classification Sherloc (09022015). Collection method: clinical testing. Allele origin: germline.
Comment: This variant has not been reported in the literature in individuals with GRHL2-related conditions. Algorithms developed to predict the effect of missense changes on protein structure and function are either unavailable or do not agree on the potential impact of this missense change (SIFT: "Deleterious"; PolyPhen-2: "Probably Damaging"; Align-GVGD: "Class C0"). In summary, the available evidence is currently insufficient to determine the role of this variant in disease. Therefore, it has been classified as a Variant of Uncertain Significance. This variant is not present in population databases (ExAC no frequency). This sequence change replaces leucine with proline at codon 609 of the GRHL2 protein (p.Leu609Pro). The leucine residue is moderately conserved and there is a moderate physicochemical difference between leucine and proline.

NM_024915.4(GRHL2):c.1826T>C (p.Leu609Pro)

Gene: GRHL2 (grainyhead like transcription factor 2; plus strand). Cytogenetic location: 8q22.3.
Variant type: single nucleotide variant.
Coding change: c.1826T>C on transcript NM_024915.4 (MANE Select); coding-DNA position 1826, T replaced by C.
Protein change: p.Leu609Pro; replaces leucine 609 with proline.
Molecular consequence: missense variant.
Genome position (GRCh38, 1-based): chr8:101,666,651, T>C. VCF-style: chr8-101666651-T-C. GRCh37 (hg19) VCF-style: chr8-102678879-T-C.
Other names: c.1778T>C, p.Leu593Pro (NM_001330593.2); short protein forms L593P, L609P.
Identifiers: ClinVar variation 1431918 (VCV001431918.8), dbSNP rs2129777727, ClinGen allele CA371597181.